The following is an entry in ClinVar:

ClinVar aggregate classification (germline): Benign. Review status: criteria provided, multiple submitters, no conflicts (2 of 4 stars). 3 submissions from 3 submitters: Benign (3). Last evaluated 2023-12-01.

Allele frequency attached by ClinVar (database versions not stated): 1000 Genomes Project 30x 0.00390; 1000 Genomes Project 0.00419; TOPMed 0.00773; gnomAD 0.00837 and 0.00845; ESP Exome Variant Server 0.00939; ExAC 0.00949.
gnomAD v4.1: 17,208 of 1,613,506 alleles (1.1%); highest among the groups gnomAD compares: Middle Eastern, 2.1%; 138 homozygotes.

Submissions (3):

CeGaT Center for Human Genetics Tuebingen
Classification: Benign. Last evaluated: 2023-12-01. Review status: criteria provided, single submitter. Criteria: CeGaT Center For Human Genetics Tuebingen Variant Classification Criteria Version 2. Collection method: clinical testing. Allele origin: germline. Affected: yes. Observed: 1 variant allele.
Comment: CADM1: BP4, BP7, BS1, BS2

Labcorp Genetics (formerly Invitae), Labcorp
Classification: Benign. Last evaluated: 2019-12-31. Review status: criteria provided, single submitter. Criteria: Invitae Variant Classification Sherloc (09022015). Collection method: clinical testing. Allele origin: germline.

Breakthrough Genomics
Classification: Benign. Review status: criteria provided, single submitter. Criteria: ACMG Guidelines, 2015. Collection method: not provided. Allele origin: germline. Inheritance: Unknown mechanism. Affected: yes.

NM_001301043.2(CADM1):c.786G>A (p.Ala262=)

Gene: CADM1 (cell adhesion molecule 1; minus strand). Cytogenetic location: 11q23.3.
Variant type: single nucleotide variant.
Coding change: c.786G>A on transcript NM_001301043.2 (MANE Select); coding-DNA position 786, G replaced by A.
Protein change: p.Ala262=; no amino-acid change (alanine 262 retained).
Molecular consequence: synonymous variant.
Genome position (GRCh38, 1-based): chr11:115,217,927, C>T on the plus strand (G>A on the coding strand, the complement: CADM1 is on the minus strand). VCF-style: chr11-115217927-C-T. GRCh37 (hg19) VCF-style: chr11-115088647-C-T.
Other names: c.786G>A, p.Ala262= (NM_001098517.2, NM_001301044.2, NM_001301045.2 and 1 more transcripts).
Identifiers: ClinVar variation 770982 (VCV000770982.27), dbSNP rs113893105, ClinGen allele CA6287616.
Genomic context (GRCh38, chr11:115,217,927, plus strand): 5'-GCCAACTTTGGCCTTCAGAACTTACTGGGGCTTCCCGATGGCTTCACATGTTAACTCAAG[C>T]GCGTCCCCTTCCCGGGTTAAGCCTTGTAGAGGATAAGTCATCTGAATGTGCACTTGAGGC-3'
Protein context (NP_001287972.1, residues 252-272): PLQGLTREGD[Ala262=]LELTCEAIGK